The following is an entry in ClinVar:

ClinVar aggregate classification (germline): Uncertain significance (1 of 4 stars; one submission).

Conditions:
Inborn genetic diseases. Identifiers: MedGen C0950123, MeSH D030342.

gnomAD v4.1: 1 of 1,614,142 alleles (0.000062%); highest among the groups gnomAD compares: South Asian, 0.0011%; no homozygotes.

Submission:

Ambry Genetics
Classification: Uncertain significance for Inborn genetic diseases. Last evaluated: 2026-05-21. Review status: criteria provided, single submitter. Criteria: Ambry Variant Classification Scheme 2023. Collection method: clinical testing. Allele origin: germline.
Comment: The p.F1373L variant (also known as c.4117T>C), located in coding exon 13 of the ASXL1 gene, results from a T to C substitution at nucleotide position 4117. The phenylalanine at codon 1373 is replaced by leucine, an amino acid with highly similar properties. This amino acid position is conserved. In addition, this alteration is predicted to be tolerated by in silico analysis. Based on the available evidence, the clinical significance of this variant remains unclear.

NM_015338.6(ASXL1):c.4117T>C (p.Phe1373Leu)

Gene: ASXL1 (ASXL transcriptional regulator 1; plus strand). Cytogenetic location: 20q11.21.
Variant type: single nucleotide variant.
Coding change: c.4117T>C on transcript NM_015338.6 (MANE Select); coding-DNA position 4117, T replaced by C.
Protein change: p.Phe1373Leu; replaces phenylalanine 1373 with leucine.
Molecular consequence: missense variant.
Genome position (GRCh38, 1-based): chr20:32,436,829, T>C. VCF-style: chr20-32436829-T-C. GRCh37 (hg19) VCF-style: chr20-31024632-T-C.
Other names: c.3934T>C, p.Phe1312Leu (NM_001363734.1); short protein forms F1312L, F1373L.
Identifiers: ClinVar variation 4864727 (VCV004864727.1).